The following is an entry in ClinVar:

NM_014317.5(PDSS1):c.965C>T (p.Pro322Leu)

Gene: PDSS1 (decaprenyl diphosphate synthase subunit 1; plus strand). Cytogenetic location: 10p12.1.
Variant type: single nucleotide variant.
Coding change: c.965C>T on transcript NM_014317.5 (MANE Select); coding-DNA position 965, C replaced by T.
Protein change: p.Pro322Leu; replaces proline 322 with leucine.
Molecular consequence: missense variant. On other transcripts: intron variant (1).
Genome position (GRCh38, 1-based): chr10:26,735,518, C>T. VCF-style: chr10-26735518-C-T. GRCh37 (hg19) VCF-style: chr10-27024447-C-T.
Other names: c.455C>T, p.Pro152Leu (NM_001321979.2); c.836-6979C>T (NM_001321978.2); short protein forms P322L, P152L.
Identifiers: ClinVar variation 1963908 (VCV001963908.5), dbSNP rs2491621715, ClinGen allele CA376350803.

ClinVar aggregate classification (germline): Uncertain significance (1 of 4 stars; one submission).

Submission:

Labcorp Genetics (formerly Invitae), Labcorp
Classification: Uncertain significance. Last evaluated: 2022-05-13. Review status: criteria provided, single submitter. Criteria: Invitae Variant Classification Sherloc (09022015). Collection method: clinical testing. Allele origin: germline.
Comment: In summary, the available evidence is currently insufficient to determine the role of this variant in disease. Therefore, it has been classified as a Variant of Uncertain Significance. Algorithms developed to predict the effect of missense changes on protein structure and function are either unavailable or do not agree on the potential impact of this missense change (SIFT: "Not Available"; PolyPhen-2: "Probably Damaging"; Align-GVGD: "Not Available"). This variant has not been reported in the literature in individuals affected with PDSS1-related conditions. This variant is not present in population databases (gnomAD no frequency). This sequence change replaces proline, which is neutral and non-polar, with leucine, which is neutral and non-polar, at codon 322 of the PDSS1 protein (p.Pro322Leu).